The following is an entry in ClinVar:

NM_004415.4(DSP):c.4077C>G (p.Ile1359Met)

Gene: DSP (desmoplakin; plus strand). Cytogenetic location: 6p24.3.
Variant type: single nucleotide variant.
Coding change: c.4077C>G on transcript NM_004415.4 (MANE Select); coding-DNA position 4077, C replaced by G.
Protein change: p.Ile1359Met; replaces isoleucine 1359 with methionine.
Molecular consequence: missense variant. On other transcripts: intron variant (2).
Genome position (GRCh38, 1-based): chr6:7,580,267, C>G. VCF-style: chr6-7580267-C-G. GRCh37 (hg19) VCF-style: chr6-7580500-C-G.
Other names: c.4050+27C>G (NM_001319034.2); c.3582+495C>G (NM_001008844.3); short protein forms I1359M.
Identifiers: ClinVar variation 2923245 (VCV002923245.3), dbSNP rs747249306, ClinGen allele CA362685501.

ClinVar aggregate classification (germline): Uncertain significance (1 of 4 stars; one submission).

Conditions:
Arrhythmogenic cardiomyopathy with wooly hair and keratoderma. Also called: Dilated cardiomyopathy with woolly hair and keratoderma; Arrhythmogenic cardiomyopathy with woolly hair and keratoderma; PALMOPLANTAR KERATODERMA WITH LEFT VENTRICULAR CARDIOMYOPATHY AND WOOLLY HAIR; Carvajal syndrome. Identifiers: Orphanet 65282, MedGen C1854063, MONDO:0011581, OMIM 605676.
Arrhythmogenic right ventricular dysplasia 8 (ARVD8). Also called: Arrhythmogenic Right Ventricular Dysplasia/Cardiomyopathy 8; ARRHYTHMOGENIC RIGHT VENTRICULAR DYSPLASIA, FAMILIAL, 8; ARRHYTHMOGENIC RIGHT VENTRICULAR CARDIOMYOPATHY 8. Identifiers: MedGen C1843896, MONDO:0011831, OMIM 607450.

Submission:

Labcorp Genetics (formerly Invitae), Labcorp
Classification: Uncertain significance for Arrhythmogenic cardiomyopathy with wooly hair and keratoderma; Arrhythmogenic right ventricular dysplasia 8. Last evaluated: 2023-05-21. Review status: criteria provided, single submitter. Criteria: Invitae Variant Classification Sherloc (09022015). Collection method: clinical testing. Allele origin: germline.
Comment: In summary, the available evidence is currently insufficient to determine the role of this variant in disease. Therefore, it has been classified as a Variant of Uncertain Significance. An algorithm developed to predict the effect of missense changes on protein structure and function (PolyPhen-2) suggests that this variant is likely to be disruptive. This variant has not been reported in the literature in individuals affected with DSP-related conditions. This variant is not present in population databases (gnomAD no frequency). This sequence change replaces isoleucine, which is neutral and non-polar, with methionine, which is neutral and non-polar, at codon 1359 of the DSP protein (p.Ile1359Met).